The following is an entry in ClinVar:

NM_000426.4(LAMA2):c.2879C>G (p.Ser960Ter)

Gene: LAMA2 (laminin subunit alpha 2; plus strand). Cytogenetic location: 6q22.33.
Variant type: single nucleotide variant.
Coding change: c.2879C>G on transcript NM_000426.4 (MANE Select); coding-DNA position 2879, C replaced by G.
Protein change: p.Ser960Ter; replaces serine 960 with a stop codon.
Molecular consequence: nonsense.
Genome position (GRCh38, 1-based): chr6:129,297,707, C>G. VCF-style: chr6-129297707-C-G. GRCh37 (hg19) VCF-style: chr6-129618852-C-G.
Other names: c.2879C>G, p.Ser960Ter (NM_001079823.2); short protein forms S960*.
Identifiers: ClinVar variation 1725688 (VCV001725688.3), dbSNP rs1773276850, ClinGen allele CA365610954.
Genomic context (GRCh38, chr6:129,297,707, plus strand): 5'-GATTTAAATTTAATTTTTCTCTCCTCTTCCATTGCCAGGCTGGGACCTTTGGCCTACAAT[C>G]AGCAAGGGGCTGTGTTCCCTGCAACTGCAATTCTTTTGGGTCTAAGTCATTCGACTGTGA-3'

ClinVar aggregate classification (germline): Likely pathogenic (1 of 4 stars; one submission).

Conditions:
LAMA2-related muscular dystrophy (LAMA2-RD). Also called: Laminin alpha 2-related dystrophy. Identifiers: MedGen C5679788, MONDO:0100228.

Submission:

Myriad Genetics, Inc.
Classification: Likely pathogenic for LAMA2-related muscular dystrophy. Last evaluated: 2022-03-31. Review status: criteria provided, single submitter. Criteria: Myriad Autosomal Dominant, Autosomal Recessive and X-Linked Classification Criteria (2023). Collection method: clinical testing. Allele origin: unknown.
Comment: NM_000426.3(LAMA2):c.2879C>G(S960*) is expected to be pathogenic in the context of muscular dystrophy, LAMA2-related. This variant is predicted to lead to an abnormal or absent protein product due to the creation of a premature termination codon in LAMA2, a gene where loss-of-function variants are known to be pathogenic. Please note: this variant was assessed in the context of healthy population screening.